The following is an entry in ClinVar:

NM_000465.4(BARD1):c.1635_1663dup (p.Ser555fs)

Gene: BARD1 (BRCA1 associated RING domain 1; minus strand). Cytogenetic location: 2q35.
Variant type: Duplication.
Coding change: c.1635_1663dup on transcript NM_000465.4 (MANE Select); coding-DNA positions 1635 to 1663, 29 bases duplicated (ACCAGAGAAGAATGAATCATCCTCAGCTA).
Protein change: p.Ser555fs; shifts the reading frame from serine 555.
Molecular consequence: frameshift variant. On other transcripts: non-coding transcript variant (3), intron variant (1).
Genome position (GRCh38, 1-based): chr2:214,752,461-214,752,489, TAGCTGAGGATGATTCATTCTTCTCTGGT duplicated on the plus strand (ACCAGAGAAGAATGAATCATCCTCAGCTA on the coding strand, the reverse complement: BARD1 is on the minus strand). VCF-style (leftmost placement, unchanged base first): chr2-214752460-C-CTAGCTGAGGATGATTCATTCTTCTCTGGT. GRCh37 (hg19) VCF-style: chr2-215617184-C-CTAGCTGAGGATGATTCATTCTTCTCTGGT.
Other names: c.1578_1606dup, p.Ser536fs (NM_001282543.2); c.282_310dup, p.Ser104fs (NM_001282545.2); c.225_253dup, p.Ser85fs (NM_001282548.2); c.365-21981_365-21953dup (NM_001282549.2); short protein forms S104fs, S85fs, S555fs, S536fs.
Identifiers: ClinVar variation 460714 (VCV000460714.9), dbSNP rs1553616352, ClinGen allele CA658657227.

ClinVar aggregate classification (germline): Pathogenic. Review status: criteria provided, multiple submitters, no conflicts (2 of 4 stars). 2 submissions from 2 submitters: Pathogenic (2). Last evaluated 2023-05-23.

Conditions:
Familial cancer of breast. Also called: BREAST CANCER, FAMILIAL; hereditary breast carcinoma; Hereditary breast cancer. Identifiers: Orphanet 227535, MedGen C0346153, MONDO:0016419, OMIM 114480. Disease mechanism: loss of function.

Submissions (2):

Myriad Genetics, Inc.
Classification: Pathogenic for Familial cancer of breast. Last evaluated: 2023-05-23. Review status: criteria provided, single submitter. Criteria: Myriad Autosomal Dominant, Autosomal Recessive and X-Linked Classification Criteria (2023). Collection method: clinical testing. Allele origin: unknown.
Comment: This variant is considered pathogenic. This variant creates a frameshift predicted to result in premature protein truncation.

Labcorp Genetics (formerly Invitae), Labcorp
Classification: Pathogenic for Familial cancer of breast. Last evaluated: 2021-03-13. Review status: criteria provided, single submitter. Criteria: Invitae Variant Classification Sherloc (09022015). Collection method: clinical testing. Allele origin: germline.
Comment: This sequence change creates a premature translational stop signal (p.Ser555Asnfs*15) in the BARD1 gene. It is expected to result in an absent or disrupted protein product. Loss-of-function variants in BARD1 are known to be pathogenic (PMID: 20077502, 21344236). For these reasons, this variant has been classified as Pathogenic. Algorithms developed to predict the effect of sequence changes on RNA splicing suggest that this variant may create or strengthen a splice site, but this prediction has not been confirmed by published transcriptional studies. This variant has not been reported in the literature in individuals with BARD1-related conditions. ClinVar contains an entry for this variant (Variation ID: 460714). This variant is not present in population databases (ExAC no frequency).

Literature cited by the submitters: PubMed 20077502 (cited by Labcorp Genetics (formerly Invitae), Labcorp); PubMed 21344236 (cited by Labcorp Genetics (formerly Invitae), Labcorp).